The following is an entry in ClinVar:

ClinVar aggregate classification (germline): Likely pathogenic (1 of 4 stars; one submission).

Conditions:
Acyl-CoA oxidase deficiency. Also called: STRAIGHT-CHAIN ACYL-CoA OXIDASE DEFICIENCY; Pseudoneonatal adrenoleukodystrophy; Peroxisomal acyl-CoA oxidase deficiency. Identifiers: Orphanet 2971, MedGen C1849678, MONDO:0009919, OMIM 264470. Disease mechanism: loss of function.

Submission:

Natera, Inc.
Classification: Likely pathogenic for Peroxisomal acyl-CoA oxidase deficiency. Last evaluated: 2025-04-17. Review status: criteria provided, single submitter. Criteria: Natera Variant Classification Schema (03/2026). Collection method: clinical testing. Allele origin: germline.
Comment: The c.669del variant in ACOX1 is a frameshift variant predicted to shift the reading frame beginning at codon 224 and leads to a stop codon 12 codons downstream. This variant is expected to result in nonsense mediated decay, truncation, or a dysfunctional protein product. This variant is rare in the general population with a frequency below the threshold expected for the associated phenotype(s). Given the available evidence, this variant is classified as Likely Pathogenic.

NM_004035.7(ACOX1):c.669del (p.Gly224fs)

Gene: ACOX1 (acyl-CoA oxidase 1; minus strand). Cytogenetic location: 17q25.1.
Variant type: Deletion.
Coding change: c.669del on transcript NM_004035.7 (MANE Select); coding-DNA position 669, one base deleted (T; older notation c.669delT).
Protein change: p.Gly224fs; shifts the reading frame from glycine 224.
Molecular consequence: frameshift variant.
Genome position (GRCh38, 1-based): chr17:75,955,671, A deleted on the plus strand (T on the coding strand, the reverse complement: ACOX1 is on the minus strand); the first of 2 consecutive A bases (chr17:75,955,671-75,955,672); deleting either gives the same sequence. VCF-style (leftmost placement, unchanged base first): chr17-75955670-CA-C. GRCh37 (hg19) VCF-style: chr17-73951751-CA-C.
Other names: c.555del, p.Gly186fs (NM_001185039.2); c.669del, p.Gly224fs (NM_007292.6); short protein forms G186fs, G224fs.
Identifiers: ClinVar variation 4065609 (VCV004065609.2).